The following is an entry in ClinVar:

NM_000138.5(FBN1):c.1538G>T (p.Cys513Phe)

Gene: FBN1 (fibrillin 1; minus strand). Cytogenetic location: 15q21.1.
Variant type: single nucleotide variant.
Coding change: c.1538G>T on transcript NM_000138.5 (MANE Select); coding-DNA position 1538, G replaced by T.
Protein change: p.Cys513Phe; replaces cysteine 513 with phenylalanine.
Molecular consequence: missense variant.
Genome position (GRCh38, 1-based): chr15:48,513,599, C>A on the plus strand (G>T on the coding strand, the complement: FBN1 is on the minus strand). VCF-style: chr15-48513599-C-A. GRCh37 (hg19) VCF-style: chr15-48805796-C-A.
Other names: NM_000138.5(FBN1):c.1538G>T; p.Cys513Phe; short protein forms C513F.
Identifiers: ClinVar variation 406288 (VCV000406288.11), dbSNP rs1060501036, ClinGen allele CA16614674.

ClinVar aggregate classification (germline): Likely pathogenic. Review status: reviewed by expert panel (3 of 4 stars). 3 submissions from 3 submitters: Likely pathogenic (1). 2 of the submissions do not count toward it. Last evaluated 2023-11-16.

Conditions:
Marfan Syndrome/Loeys-Dietz Syndrome/Familial Thoracic Aortic Aneurysms and Dissections. Identifiers: MedGen CN229799.
Marfan syndrome (MFS). Also called: Marfan syndrome, classic; Marfan syndrome type 1; Marfan's syndrome; MARFAN SYNDROME, TYPE I; FBN1-Related Marfan Syndrome. Identifiers: Orphanet 284963, Orphanet 558, MedGen C0024796, MONDO:0007947, OMIM 154700.
Familial thoracic aortic aneurysm and aortic dissection (TAAD). Also called: Thoracic aortic aneurysms and dissections. Identifiers: Orphanet 91387, MedGen C4707243, MONDO:0019625.

Submissions (3):

ClinGen FBN1 Variant Curation Expert Panel, ClinGen
Classification: Likely pathogenic for Marfan syndrome. Last evaluated: 2023-11-16. Review status: reviewed by expert panel. Criteria: Assertion Criteria VCEP FBN1 Version 1. Collection method: curation. Allele origin: germline. Inheritance: Autosomal dominant inheritance.
Comment: NM_00138 c.1538G>T is a missense variant in FBN1 predicted to cause a substitution of a cysteine by phenylalanine at amino acid 513 (p.Cys513Phe). This variant has not been reported in the literature but has been found in at least two probands; this includes one individual with bilateral ectopia lentis and thoracic aortic aneurysm and dissection, and one with unspecified features of a connective tissue disorder (PS4_supporting; Invitae & LabCorp internal data, ClinVar Variation ID: 406288). This variant is not present in gnomAD (PM2_supporting). This variant affects a cysteine residue in a calcium binding EGF domain; cysteine residues are believed to be involved in the formation of disulfide bridges which are essential for the protein structure (PM1_strong). Several other variants affecting this codon have been reported in association with Marfan syndrome (p.Cys513Gly, p.Cys513Ser, p.Cys513Tyr, p.Cys513Arg). Computational prediction tools and conservation analysis strongly support that this variant may impact the protein’s structure or function (PP3). The constraint z-score for missense variants affecting FBN1 is 5.06 (PP2). In summary, this variant meets criteria to be classified as likely pathogenic for Marfan syndrome based on the ACMG/AMP criteria applied, as specified by the ClinGen FBN1 VCEP: PM1_strong, PM2_supporting, PS4_supporting, PP2, PP3.

Women's Health and Genetics/Laboratory Corporation of America, LabCorp
Classification: Likely pathogenic for Marfan Syndrome/Loeys-Dietz Syndrome/Familial Thoracic Aortic Aneurysms and Dissections. Last evaluated: 2026-04-16. Review status: criteria provided, single submitter. Criteria: LabCorp Variant Classification Summary - May 2015. Collection method: clinical testing. Allele origin: germline. Not counted in ClinVar's aggregate classification.
Comment: Variant summary: FBN1 c.1538G>T (p.Cys513Phe) results in a non-conservative amino acid change in the encoded protein sequence. Algorithms developed to predict the effect of missense changes on protein structure and function all suggest that this variant is likely to be disruptive. Missense mutations affecting cysteine residues are listed among the criteria for a causal FBN1 mutation when identified as de novo (with proven paternity) in the revised Ghent criteria for the diagnosis of Marfan and related conditions (Loeys 2010). Based on the evidence outlined above, the variant was classified as likely pathogenic until the de novo origin of this variant is unequivocally confirmed. The variant was absent in 251296 control chromosomes. c.1538G>T has been observed in at least 2 individual(s) affected with clinical diagnosis and/or clinical features of Marfan Syndrome (internal data). These data indicate that the variant may be associated with disease. To our knowledge, no experimental evidence demonstrating an impact on protein function has been reported. ClinVar contains an entry for this variant (Variation ID: 406288). Based on the evidence outlined above, the variant was classified as likely pathogenic.

Labcorp Genetics (formerly Invitae), Labcorp
Classification: Pathogenic for Marfan syndrome; Familial thoracic aortic aneurysm and aortic dissection. Last evaluated: 2023-08-04. Review status: criteria provided, single submitter. Criteria: Invitae Variant Classification Sherloc (09022015). Collection method: clinical testing. Allele origin: germline. Not counted in ClinVar's aggregate classification.
Comment: This sequence change replaces cysteine, which is neutral and slightly polar, with phenylalanine, which is neutral and non-polar, at codon 513 of the FBN1 protein (p.Cys513Phe). This variant is not present in population databases (gnomAD no frequency). This variant disrupts the p.Cys513 amino acid residue in FBN1. Other variant(s) that disrupt this residue have been observed in individuals with FBN1-related conditions (PMID: 27906200; Invitae), which suggests that this may be a clinically significant amino acid residue. This variant affects a cysteine residue in the EGF-like, TGFBP or hybrid motif domains of FBN1. Cysteine residues are believed to be involved in intramolecular disulfide bridges and have been shown to be important for FBN1 protein structure (PMID: 16905551, 19349279). In addition, missense substitutions affecting cysteine residues within these domains are significantly overrepresented among patients with Marfan syndrome (PMID: 16571647, 17701892). Advanced modeling of protein sequence and biophysical properties (such as structural, functional, and spatial information, amino acid conservation, physicochemical variation, residue mobility, and thermodynamic stability) performed at Invitae indicates that this missense variant is expected to disrupt FBN1 protein function. ClinVar contains an entry for this variant (Variation ID: 406288). This missense change has been observed in individual(s) with clinical features of Marfan syndrome (Invitae). For these reasons, this variant has been classified as Pathogenic.

Literature cited by the submitters: PubMed 27906200 (cited by Labcorp Genetics (formerly Invitae), Labcorp); PubMed 16905551 (cited by Labcorp Genetics (formerly Invitae), Labcorp); PubMed 19349279 (cited by Labcorp Genetics (formerly Invitae), Labcorp); PubMed 16571647 (cited by Labcorp Genetics (formerly Invitae), Labcorp); PubMed 17701892 (cited by Labcorp Genetics (formerly Invitae), Labcorp).